The following is an entry in ClinVar:

NM_001330288.2(SMARCC2):c.2645G>A (p.Arg882Gln)

Gene: SMARCC2 (SWI/SNF related BAF chromatin remodeling complex subunit C2; minus strand). Cytogenetic location: 12q13.2.
Variant type: single nucleotide variant.
Coding change: c.2645G>A on transcript NM_001330288.2 (MANE Select); coding-DNA position 2645, G replaced by A.
Protein change: p.Arg882Gln; replaces arginine 882 with glutamine.
Molecular consequence: missense variant.
Genome position (GRCh38, 1-based): chr12:56,169,599, C>T on the plus strand (G>A on the coding strand, the complement: SMARCC2 is on the minus strand). VCF-style: chr12-56169599-C-T. GRCh37 (hg19) VCF-style: chr12-56563383-C-T.
Other names: c.2645G>A, p.Arg882Gln (NM_001130420.3, NM_139067.4); c.2552G>A, p.Arg851Gln (NM_003075.5); short protein forms R851Q, R882Q.
Identifiers: ClinVar variation 2303583 (VCV002303583.2), dbSNP rs1433161294, ClinGen allele CA385342084.

ClinVar aggregate classification (germline): Uncertain significance (1 of 4 stars; one submission).

Conditions:
Inborn genetic diseases. Identifiers: MedGen C0950123, MeSH D030342.

Allele frequency attached by ClinVar (database versions not stated): gnomAD 0.00001; TOPMed 0.00001.
gnomAD v4.1: 1 of 1,613,926 alleles (0.000062%); highest among the groups gnomAD compares: African/African-American, 0.0013%; no homozygotes.

Submission:

Ambry Genetics
Classification: Uncertain significance for Inborn genetic diseases. Last evaluated: 2022-08-24. Review status: criteria provided, single submitter. Criteria: Ambry Variant Classification Scheme 2023. Collection method: clinical testing. Allele origin: germline.
Comment: The c.2552G>A (p.R851Q) alteration is located in exon 24 (coding exon 24) of the SMARCC2 gene. This alteration results from a G to A substitution at nucleotide position 2552, causing the arginine (R) at amino acid position 851 to be replaced by a glutamine (Q). This allele was reported in one heterozygous individual in population-based cohorts in the Genome Aggregation Database (gnomAD). This amino acid position is well conserved in available vertebrate species. This alteration is predicted to be tolerated by in silico analysis. Based on insufficient or conflicting evidence, the clinical significance of this alteration remains unclear.